The following is an entry in ClinVar:

ClinVar aggregate classification (germline): Uncertain significance (1 of 4 stars; one submission).

Conditions:
Cardiovascular phenotype. Identifiers: MedGen CN230736.

gnomAD v4.1: 2 of 1,543,268 alleles (0.00013%); highest among the groups gnomAD compares: Non-Finnish European, 0.00017%; no homozygotes.

Submission:

Ambry Genetics
Classification: Uncertain significance for Cardiovascular phenotype. Last evaluated: 2022-02-08. Review status: criteria provided, single submitter. Criteria: Ambry Variant Classification Scheme 2023. Collection method: clinical testing. Allele origin: germline.
Comment: The p.D915N variant (also known as c.2743G>A), located in coding exon 1 of the ZNF469 gene, results from a G to A substitution at nucleotide position 2743. The aspartic acid at codon 915 is replaced by asparagine, an amino acid with highly similar properties. This amino acid position is conserved. In addition, this alteration is predicted to be tolerated by in silico analysis. Since supporting evidence is limited at this time, the clinical significance of this alteration remains unclear.

NM_001367624.2(ZNF469):c.2743G>A (p.Asp915Asn)

Gene: ZNF469 (zinc finger protein 469; plus strand). Cytogenetic location: 16q24.2.
Variant type: single nucleotide variant.
Coding change: c.2743G>A on transcript NM_001367624.2 (MANE Select); coding-DNA position 2743, G replaced by A.
Protein change: p.Asp915Asn; replaces aspartic acid 915 with asparagine.
Molecular consequence: missense variant.
Genome position (GRCh38, 1-based): chr16:88,430,213, G>A. VCF-style: chr16-88430213-G-A. GRCh37 (hg19) VCF-style: chr16-88496621-G-A.
Other names: NM_001127464.1:c.2743G>A; short protein forms D915N.
Identifiers: ClinVar variation 1795465 (VCV001795465.2), dbSNP rs975002262, ClinGen allele CA397075182.